The following is an entry in ClinVar:

NM_024769.5(CLMP):c.453G>A (p.Leu151=)

Genes: CLMP (CXADR like cell adhesion molecule; minus strand), LOC112042785 (Sharpr-MPRA regulatory region 9139; plus strand). Cytogenetic location: 11q24.1.
Variant type: single nucleotide variant.
Coding change: c.453G>A on transcript NM_024769.5 (MANE Select); coding-DNA position 453, G replaced by A.
Protein change: p.Leu151=; no amino-acid change (leucine 151 retained).
Molecular consequence: synonymous variant.
Genome position (GRCh38, 1-based): chr11:123,083,783, C>T on the plus strand (G>A on the coding strand, the complement: CLMP is on the minus strand). VCF-style: chr11-123083783-C-T. GRCh37 (hg19) VCF-style: chr11-122954491-C-T.
Identifiers: ClinVar variation 784224 (VCV000784224.7), dbSNP rs112659755, ClinGen allele CA6333102.

ClinVar aggregate classification (germline): Benign. Review status: criteria provided, multiple submitters, no conflicts (2 of 4 stars). 3 submissions from 3 submitters: Benign (2). 1 of the submissions does not count toward it. Last evaluated 2019-12-31.

Conditions:
CLMP-related disorder. Also called: CLMP-related condition.

Allele frequency attached by ClinVar (database versions not stated): gnomAD exomes 0.00274; ExAC 0.00332; gnomAD 0.00922 and 0.00963; TOPMed 0.01045; ESP Exome Variant Server 0.01092; 1000 Genomes Project 0.01398; 1000 Genomes Project 30x 0.01593.
gnomAD v4.1: 2,861 of 1,613,988 alleles (0.18%); highest among the groups gnomAD compares: African/African-American, 3.1%; 33 homozygotes.

Submissions (3):

Labcorp Genetics (formerly Invitae), Labcorp
Classification: Benign. Last evaluated: 2019-12-31. Review status: criteria provided, single submitter. Criteria: Invitae Variant Classification Sherloc (09022015). Collection method: clinical testing. Allele origin: germline.

Breakthrough Genomics
Classification: Benign. Review status: criteria provided, single submitter. Criteria: ACMG Guidelines, 2015. Collection method: not provided. Allele origin: germline. Inheritance: Autosomal recessive inheritance. Affected: yes.

PreventionGenetics, part of Exact Sciences
Classification: Benign for CLMP-related condition. Last evaluated: 2019-04-30. Review status: no assertion criteria provided. Collection method: clinical testing. Allele origin: germline. Not counted in ClinVar's aggregate classification.
Comment: This variant is classified as benign based on ACMG/AMP sequence variant interpretation guidelines (Richards et al. 2015 PMID: 25741868, with internal and published modifications).